The following is an entry in ClinVar:

ClinVar aggregate classification (germline): Uncertain significance (1 of 4 stars; one submission).

Conditions:
PHIP-related disorder. Also called: PHIP-related condition; PHIP-related disorders.

Submission:

PreventionGenetics, part of Exact Sciences
Classification: Uncertain significance for PHIP-related condition. Last evaluated: 2025-11-12. Review status: criteria provided, single submitter. Criteria: ACMG Guidelines, 2015. Collection method: clinical testing. Allele origin: germline.
Comment: The PHIP c.973A>T variant is predicted to result in the amino acid substitution p.Ile325Phe. To our knowledge, this variant has not been reported in the literature or in a large population database (gnomAD), indicating this variant is rare. At this time, the clinical significance of this variant is uncertain due to the absence of conclusive functional and genetic evidence.

NM_017934.7(PHIP):c.973A>T (p.Ile325Phe)

Gene: PHIP (PHIP subunit of CUL4-Ring ligase complex; minus strand). Cytogenetic location: 6q14.1.
Variant type: single nucleotide variant.
Coding change: c.973A>T on transcript NM_017934.7 (MANE Select); coding-DNA position 973, A replaced by T.
Protein change: p.Ile325Phe; replaces isoleucine 325 with phenylalanine.
Molecular consequence: missense variant.
Genome position (GRCh38, 1-based): chr6:79,019,110, T>A on the plus strand (A>T on the coding strand, the complement: PHIP is on the minus strand). VCF-style: chr6-79019110-T-A. GRCh37 (hg19) VCF-style: chr6-79728827-T-A.
Other names: short protein forms I325F.
Identifiers: ClinVar variation 4991273 (VCV004991273.1).